The following is an entry in ClinVar:

NM_002291.3(LAMB1):c.1898G>C (p.Arg633Pro)

Gene: LAMB1 (laminin subunit beta 1; minus strand). Cytogenetic location: 7q31.1.
Variant type: single nucleotide variant.
Coding change: c.1898G>C on transcript NM_002291.3 (MANE Select); coding-DNA position 1898, G replaced by C.
Protein change: p.Arg633Pro; replaces arginine 633 with proline.
Molecular consequence: missense variant.
Genome position (GRCh38, 1-based): chr7:107,961,636, C>G on the plus strand (G>C on the coding strand, the complement: LAMB1 is on the minus strand). VCF-style: chr7-107961636-C-G. GRCh37 (hg19) VCF-style: chr7-107602081-C-G.
Other names: c.1898G>C (NM_002291.2); short protein forms R633P.
Identifiers: ClinVar variation 1370662 (VCV001370662.8), dbSNP rs769757442, ClinGen allele CA4435833.

ClinVar aggregate classification (germline): Uncertain significance. Review status: criteria provided, multiple submitters, no conflicts (2 of 4 stars). 3 submissions from 3 submitters: Uncertain significance (3). Last evaluated 2025-09-02.

Conditions:
Cobblestone lissencephaly without muscular or ocular involvement. Also called: LEUKOENCEPHALOPATHY WITH VARIABLE CORTICAL BRAIN MALFORMATIONS AND/OR HYDROCEPHALUS; Lissencephaly 5. Identifiers: Orphanet 352682, MedGen C3554657, MONDO:0014077, OMIM 615191.
Inborn genetic diseases. Identifiers: MedGen C0950123, MeSH D030342.

gnomAD v4.1: 44 of 1,613,928 alleles (0.0027%); highest among the groups gnomAD compares: Admixed American, 0.073%; no homozygotes.

Submissions (3):

Labcorp Genetics (formerly Invitae), Labcorp
Classification: Uncertain significance. Last evaluated: 2025-09-02. Review status: criteria provided, single submitter. Criteria: Invitae Variant Classification Sherloc (09022015). Collection method: clinical testing. Allele origin: germline.
Comment: This sequence change replaces arginine, which is basic and polar, with proline, which is neutral and non-polar, at codon 633 of the LAMB1 protein (p.Arg633Pro). This variant is present in population databases (rs769757442, gnomAD 0.1%). This variant has not been reported in the literature in individuals affected with LAMB1-related conditions. ClinVar contains an entry for this variant (Variation ID: 1370662). An algorithm developed to predict the effect of missense changes on protein structure and function (PolyPhen-2) suggests that this variant is likely to be disruptive. In summary, the available evidence is currently insufficient to determine the role of this variant in disease. Therefore, it has been classified as a Variant of Uncertain Significance.

Ambry Genetics
Classification: Uncertain significance for Inborn genetic diseases. Last evaluated: 2025-04-10. Review status: criteria provided, single submitter. Criteria: Ambry Variant Classification Scheme 2023. Collection method: clinical testing. Allele origin: germline.

Revvity Omics, Revvity
Classification: Uncertain significance for Cobblestone lissencephaly without muscular or ocular involvement. Last evaluated: 2024-07-10. Review status: criteria provided, single submitter. Criteria: ACMG Guidelines, 2015. Collection method: clinical testing. Allele origin: germline.